The following is an entry in ClinVar:

ClinVar aggregate classification (germline): Conflicting classifications of pathogenicity. Review status: criteria provided, conflicting classifications (1 of 4 stars). 8 submissions from 8 submitters: Uncertain significance (1); Benign (1); Likely benign (4). 2 of the submissions do not count toward it. Last evaluated 2026-01-28.

Conditions:
WRN-related disorder. Also called: WRN-related condition.
Werner syndrome (WRN). Identifiers: Orphanet 902, MedGen C0043119, MONDO:0010196, OMIM 277700.

Allele frequency attached by ClinVar (database versions not stated): gnomAD exomes 0.00045 and 0.00086; gnomAD 0.00050 and 0.00052; TOPMed 0.00060; ExAC 0.00063; ESP Exome Variant Server 0.00108.
gnomAD v4.1: 794 of 1,613,848 alleles (0.049%); highest among the groups gnomAD compares: Middle Eastern, 0.48%; 3 homozygotes.

Submissions (8):

Labcorp Genetics (formerly Invitae), Labcorp
Classification: Benign for Werner syndrome. Last evaluated: 2026-01-28. Review status: criteria provided, single submitter. Criteria: Invitae Variant Classification Sherloc (09022015). Collection method: clinical testing. Allele origin: germline.

Blueprint Genetics
Classification: Likely benign. Last evaluated: 2024-11-26. Review status: criteria provided, single submitter. Criteria: ACMG Guidelines, 2015. Collection method: clinical testing. Allele origin: germline.

Genetic Services Laboratory, University of Chicago
Classification: Likely benign. Last evaluated: 2021-10-07. Review status: criteria provided, single submitter. Criteria: ACMG Guidelines, 2015. Collection method: clinical testing. Allele origin: germline. Affected: no.

Department of Pathology and Laboratory Medicine, Sinai Health System
Classification: Likely benign for Werner syndrome. Last evaluated: 2021-07-30. Review status: criteria provided, single submitter. Criteria: ACMG Guidelines, 2015. Collection method: research. Allele origin: germline.

Illumina Laboratory Services, Illumina
Classification: Likely benign for Werner syndrome. Last evaluated: 2017-04-27. Review status: criteria provided, single submitter. Criteria: ICSL Variant Classification Criteria 13 December 2019. Collection method: clinical testing. Allele origin: germline.
Comment: This variant was observed as part of a predisposition screen in an ostensibly healthy population. A literature search was performed for the gene, cDNA change, and amino acid change (where applicable). Publications were found based on this search. The evidence from the literature, in combination with allele frequency data from public databases where available, was sufficient to determine this variant is unlikely to cause disease. Therefore, this variant is classified as likely benign.

Eurofins Ntd Llc (ga)
Classification: Uncertain significance. Last evaluated: 2016-04-22. Review status: criteria provided, single submitter. Criteria: EGL Classification Definitions 2015. Collection method: clinical testing. Allele origin: germline. Observed: 3 variant alleles, 3 heterozygotes.

PreventionGenetics, part of Exact Sciences
Classification: Benign for WRN-related condition. Last evaluated: 2020-07-14. Review status: no assertion criteria provided. Collection method: clinical testing. Allele origin: germline. Not counted in ClinVar's aggregate classification.
Comment: This variant is classified as benign based on ACMG/AMP sequence variant interpretation guidelines (Richards et al. 2015 PMID: 25741868, with internal and published modifications).

ITMI
No classification provided. Condition: AllHighlyPenetrant. Last evaluated: 2013-09-19. Review status: no classification provided. Collection method: reference population. Allele origin: germline. Not counted in ClinVar's aggregate classification.
Comment: Please see associated publication for description of ethnicities

Literature cited by the submitters: PubMed 21389352 (cited by Illumina Laboratory Services, Illumina); PubMed 24429382 (cited by Illumina Laboratory Services, Illumina); PubMed 20802463 (cited by Illumina Laboratory Services, Illumina); PubMed 26695548 (cited by Illumina Laboratory Services, Illumina); PubMed 24728327 (cited by ITMI).

NM_000553.6(WRN):c.3422C>T (p.Ser1141Leu)

Gene: WRN (WRN RecQ like helicase; plus strand). Cytogenetic location: 8p12.
Variant type: single nucleotide variant.
Coding change: c.3422C>T on transcript NM_000553.6 (MANE Select); coding-DNA position 3422, C replaced by T.
Protein change: p.Ser1141Leu; replaces serine 1141 with leucine.
Molecular consequence: missense variant.
Genome position (GRCh38, 1-based): chr8:31,147,091, C>T. VCF-style: chr8-31147091-C-T. GRCh37 (hg19) VCF-style: chr8-31004607-C-T.
Other names: short protein forms S1141L.
Identifiers: ClinVar variation 135431 (VCV000135431.25), dbSNP rs139323683, ClinGen allele CA162743.